The following is an entry in ClinVar:

NM_198428.3(BBS9):c.2033G>A (p.Arg678His)

Gene: BBS9 (Bardet-Biedl syndrome 9; plus strand). Cytogenetic location: 7p14.3.
Variant type: single nucleotide variant.
Coding change: c.2033G>A on transcript NM_198428.3 (MANE Select); coding-DNA position 2033, G replaced by A.
Protein change: p.Arg678His; replaces arginine 678 with histidine.
Molecular consequence: missense variant. On other transcripts: non-coding transcript variant (3).
Genome position (GRCh38, 1-based): chr7:33,388,062, G>A. VCF-style: chr7-33388062-G-A. GRCh37 (hg19) VCF-style: chr7-33427674-G-A.
Other names: c.1928G>A, p.Arg643His (NM_001033604.2); c.2033G>A (NM_198428.2); c.2018G>A, p.Arg673His (NM_001033605.2); c.2033G>A, p.Arg678His (NM_001348036.1, NM_001348041.4, NM_001348043.3 and 1 more transcripts); c.1667G>A, p.Arg556His (NM_001348037.3, NM_001348045.3, NM_001348046.3); c.1760G>A, p.Arg587His (NM_001348038.3); c.1655G>A, p.Arg552His (NM_001348039.3); c.1913G>A, p.Arg638His (NM_001348040.3, NM_014451.4); and 2 more; short protein forms R521H, R552H, R556H, R587H, R633H, R638H, R643H, R673H.
Identifiers: ClinVar variation 1062754 (VCV001062754.11), dbSNP rs200654248, ClinGen allele CA4214580.

ClinVar aggregate classification (germline): Uncertain significance. Review status: criteria provided, multiple submitters, no conflicts (2 of 4 stars). 4 submissions from 4 submitters: Uncertain significance (3). 1 of the submissions does not count toward it. Last evaluated 2025-06-12.

Conditions:
Bardet-Biedl syndrome (BBS). Identifiers: Orphanet 110, MedGen C0752166, MONDO:0015229.
Bardet-Biedl syndrome 9 (BBS9). Identifiers: Orphanet 110, MedGen C1859567, MONDO:0014437, OMIM 615986.
Inborn genetic diseases. Identifiers: MedGen C0950123, MeSH D030342.
BBS9-related disorder. Also called: BBS9-related condition.

Allele frequency attached by ClinVar (database versions not stated): ExAC 0.00002; gnomAD exomes 0.00002 and 0.00003; TOPMed 0.00005; gnomAD 0.00007; 1000 Genomes Project 30x 0.00016; 1000 Genomes Project 0.00020.
gnomAD v4.1: 38 of 1,614,086 alleles (0.0024%); highest among the groups gnomAD compares: East Asian, 0.016%; no homozygotes.

Submissions (4):

Labcorp Genetics (formerly Invitae), Labcorp
Classification: Uncertain significance for Bardet-Biedl syndrome. Last evaluated: 2025-06-12. Review status: criteria provided, single submitter. Criteria: Invitae Variant Classification Sherloc (09022015). Collection method: clinical testing. Allele origin: germline.
Comment: This sequence change replaces arginine, which is basic and polar, with histidine, which is basic and polar, at codon 678 of the BBS9 protein (p.Arg678His). This variant is present in population databases (rs200654248, gnomAD 0.03%). This variant has not been reported in the literature in individuals affected with BBS9-related conditions. ClinVar contains an entry for this variant (Variation ID: 1062754). Invitae Evidence Modeling of protein sequence and biophysical properties (such as structural, functional, and spatial information, amino acid conservation, physicochemical variation, residue mobility, and thermodynamic stability) indicates that this missense variant is expected to disrupt BBS9 protein function with a positive predictive value of 80%. In summary, the available evidence is currently insufficient to determine the role of this variant in disease. Therefore, it has been classified as a Variant of Uncertain Significance.

Ambry Genetics
Classification: Uncertain significance for Inborn genetic diseases. Last evaluated: 2024-03-05. Review status: criteria provided, single submitter. Criteria: Ambry Variant Classification Scheme 2023. Collection method: clinical testing. Allele origin: germline.

Fulgent Genetics
Classification: Uncertain significance for Bardet-Biedl syndrome 9. Last evaluated: 2021-07-29. Review status: criteria provided, single submitter. Criteria: ACMG Guidelines, 2015. Collection method: clinical testing. Allele origin: unknown.

PreventionGenetics, part of Exact Sciences
Classification: Uncertain significance for BBS9-related condition. Last evaluated: 2024-06-12. Review status: no assertion criteria provided. Collection method: clinical testing. Allele origin: germline. Not counted in ClinVar's aggregate classification.
Comment: The BBS9 c.2033G>A variant is predicted to result in the amino acid substitution p.Arg678His. To our knowledge, this variant has not been reported in the literature. This variant is reported in 0.030% of alleles in individuals of East Asian descent in gnomAD. At this time, the clinical significance of this variant is uncertain due to the absence of conclusive functional and genetic evidence.